The following is an entry in ClinVar:

NM_014515.7(CNOT2):c.293G>A (p.Arg98His)

Gene: CNOT2 (CCR4-NOT transcription complex subunit 2; plus strand). Cytogenetic location: 12q15.
Variant type: single nucleotide variant.
Coding change: c.293G>A on transcript NM_014515.7 (MANE Select); coding-DNA position 293, G replaced by A.
Protein change: p.Arg98His; replaces arginine 98 with histidine.
Molecular consequence: missense variant. On other transcripts: non-coding transcript variant (1).
Genome position (GRCh38, 1-based): chr12:70,329,477, G>A. VCF-style: chr12-70329477-G-A. GRCh37 (hg19) VCF-style: chr12-70723257-G-A.
Other names: c.293G>A, p.Arg98His (NM_001199302.2, NM_001199303.2, NM_001414651.1 and 2 more transcripts); c.266G>A, p.Arg89His (NM_001414653.1, NM_001414654.1, NM_001414655.1); c.251G>A, p.Arg84His (NM_001414656.1); c.233G>A, p.Arg78His (NM_001414657.1, NM_001414658.1, NM_001414659.1 and 1 more transcripts); c.170G>A, p.Arg57His (NM_001414661.1); short protein forms R57H, R78H, R84H, R89H, R98H.
Identifiers: ClinVar variation 3600889 (VCV003600889.3).
Genomic context (GRCh38, chr12:70,329,477, plus strand): 5'-TATTAGGTGCACTAGGCCTTCCAATGAGGGGGATGAGCAACAATACCCCTCAGTTAAATC[G>A]CAGCTTATCACAAGGCACTCAGTTACCGAGCCACGTCACGCCAACAACAGGGGTACCAAC-3'
Protein context (NP_055330.1, residues 88-108): GMSNNTPQLN[Arg98His]SLSQGTQLPS

ClinVar aggregate classification (germline): Uncertain significance. Review status: criteria provided, multiple submitters, no conflicts (2 of 4 stars). 2 submissions from 2 submitters: Uncertain significance (2). Last evaluated 2024-07-23.

Conditions:
Intellectual developmental disorder with nasal speech, dysmorphic facies, and variable skeletal anomalies. Identifiers: MedGen C5231426, MONDO:0032832, OMIM 618608.

gnomAD v4.1: 1 of 1,611,510 alleles (0.000062%); highest among the groups gnomAD compares: African/African-American, 0.0013%; no homozygotes.

Submissions (2):

GeneDx
Classification: Uncertain significance. Last evaluated: 2024-07-23. Review status: criteria provided, single submitter. Criteria: GeneDx Variant Classification Process June 2021. Collection method: clinical testing. Allele origin: germline. Affected: yes.
Comment: Not observed at significant frequency in large population cohorts (gnomAD); In silico analysis supports that this missense variant has a deleterious effect on protein structure/function; Has not been previously published as pathogenic or benign to our knowledge

Juno Genomics, Hangzhou Juno Genomics, Inc
Classification: Uncertain significance for Intellectual developmental disorder with nasal speech, dysmorphic facies, and variable skeletal anomalies. Review status: criteria provided, single submitter. Criteria: ACMG Guidelines, 2015. Collection method: clinical testing. Allele origin: germline.
Comment: Absent from controls (or at extremely low frequency if recessive) in Genome Aggregation Database.;Missense variant in a gene that has a low rate of benign missense variation.;De novo (both maternity and paternity confirmed) in a patient with the disease and no family history.